The following is an entry in ClinVar:

ClinVar aggregate classification (germline): Uncertain significance (1 of 4 stars; one submission).

Conditions:
CHARGE syndrome (CHARGE). Also called: Hittner Hirsch Kreh syndrome; Coloboma, heart anomaly, choanal atresia, retardation, genital and ear anomalies; CHARGE association; Hall-Hittner syndrome; CHARGE ASSOCIATION--COLOBOMA, HEART ANOMALY, CHOANAL ATRESIA, RETARDATION, GENITAL AND EAR ANOMALIES. Identifiers: Orphanet 138, MedGen C0265354, MONDO:0008965.

Submission:

Centre for Mendelian Genomics, University Medical Centre Ljubljana
Classification: Uncertain significance for CHD7-related CHARGE syndrome. Last evaluated: 2016-01-01. Review status: criteria provided, single submitter. Criteria: ACMG Guidelines, 2015. Collection method: clinical testing. Allele origin: unknown. Affected: yes.
Comment: This variant was classified as: Uncertain significance. The following ACMG criteria were applied in classifying this variant: PM2,PP3.

NM_017780.4(CHD7):c.8182G>T (p.Ala2728Ser)

Gene: CHD7 (chromodomain helicase DNA binding protein 7; plus strand). Cytogenetic location: 8q12.2.
Variant type: single nucleotide variant.
Coding change: c.8182G>T on transcript NM_017780.4 (MANE Select); coding-DNA position 8182, G replaced by T.
Protein change: p.Ala2728Ser; replaces alanine 2728 with serine.
Molecular consequence: missense variant.
Genome position (GRCh38, 1-based): chr8:60,865,121, G>T. VCF-style: chr8-60865121-G-T. GRCh37 (hg19) VCF-style: chr8-61777680-G-T.
Other names: c.2035G>T, p.Ala679Ser (NM_001316690.1); short protein forms A2728S, A679S.
Identifiers: ClinVar variation 930307 (VCV000930307.3), dbSNP rs757725468, ClinGen allele CA371307594.